The following is an entry in ClinVar:

ClinVar aggregate classification (germline): Uncertain significance (1 of 4 stars; one submission).

Conditions:
Glycogen storage disease type III (GSD3). Also called: Cori disease; FORBES DISEASE. Identifiers: Orphanet 366, MedGen C0017922, MONDO:0009291, OMIM 232400.

Allele frequency attached by ClinVar (database versions not stated): gnomAD 0.00001; gnomAD exomes 0.00001; TOPMed 0.00001.
gnomAD v4.1: 4 of 1,612,960 alleles (0.00025%); highest among the groups gnomAD compares: Admixed American, 0.0067%; no homozygotes.

Submission:

Labcorp Genetics (formerly Invitae), Labcorp
Classification: Uncertain significance for Glycogen storage disease type III. Last evaluated: 2022-04-23. Review status: criteria provided, single submitter. Criteria: Invitae Variant Classification Sherloc (09022015). Collection method: clinical testing. Allele origin: germline.
Comment: This sequence change replaces glycine, which is neutral and non-polar, with arginine, which is basic and polar, at codon 1456 of the AGL protein (p.Gly1456Arg). This variant is present in population databases (no rsID available, gnomAD 0.006%). This variant has not been reported in the literature in individuals affected with AGL-related conditions. Algorithms developed to predict the effect of missense changes on protein structure and function (SIFT, PolyPhen-2, Align-GVGD) all suggest that this variant is likely to be disruptive. Algorithms developed to predict the effect of sequence changes on RNA splicing suggest that this variant may create or strengthen a splice site. In summary, the available evidence is currently insufficient to determine the role of this variant in disease. Therefore, it has been classified as a Variant of Uncertain Significance.

NM_000642.3(AGL):c.4366G>A (p.Gly1456Arg)

Gene: AGL (amylo-alpha-1,6-glucosidase and 4-alpha-glucanotransferase; plus strand). Cytogenetic location: 1p21.2.
Variant type: single nucleotide variant.
Coding change: c.4366G>A on transcript NM_000642.3 (MANE Select); coding-DNA position 4366, G replaced by A.
Protein change: p.Gly1456Arg; replaces glycine 1456 with arginine.
Molecular consequence: missense variant.
Genome position (GRCh38, 1-based): chr1:99,916,616, G>A. VCF-style: chr1-99916616-G-A. GRCh37 (hg19) VCF-style: chr1-100382172-G-A.
Other names: c.4366G>A, p.Gly1456Arg (NM_000028.3, NM_000643.3, NM_000644.3 and 1 more transcripts); c.4318G>A, p.Gly1440Arg (NM_000646.3); c.4345G>A, p.Gly1449Arg (NM_001425326.1); c.4165G>A, p.Gly1389Arg (NM_001425327.1); c.4162G>A, p.Gly1388Arg (NM_001425328.1); c.4027G>A, p.Gly1343Arg (NM_001425329.1); c.3988G>A, p.Gly1330Arg (NM_001425332.1); short protein forms G1440R, G1456R, G1330R, G1343R, G1388R, G1389R, G1449R.
Identifiers: ClinVar variation 2146842 (VCV002146842.1), dbSNP rs1458293171, ClinGen allele CA341342429.